The following is an entry in ClinVar:

ClinVar aggregate classification (germline): Uncertain significance. Review status: criteria provided, multiple submitters, no conflicts (2 of 4 stars). 2 submissions from 2 submitters: Uncertain significance (2). Last evaluated 2025-08-10.

Conditions:
Neurodevelopmental disorder with progressive spasticity and brain white matter abnormalities. Also called: CEREBRAL PALSY, SPASTIC QUADRIPLEGIC, 1. Identifiers: Orphanet 210141, Orphanet 641353, MedGen C5436628, MONDO:0033613, OMIM 619026.
Inborn genetic diseases. Identifiers: MedGen C0950123, MeSH D030342.

Allele frequency attached by ClinVar (database versions not stated): ExAC 0.00001; gnomAD exomes 0.00001 and 0.00002; TOPMed 0.00002; gnomAD 0.00003.
gnomAD v4.1: 18 of 1,613,514 alleles (0.0011%); highest among the groups gnomAD compares: Middle Eastern, 0.017%; no homozygotes.

Submissions (2):

Ambry Genetics
Classification: Uncertain significance for Inborn genetic diseases. Last evaluated: 2025-08-10. Review status: criteria provided, single submitter. Criteria: Ambry Variant Classification Scheme 2023. Collection method: clinical testing. Allele origin: germline.

Labcorp Genetics (formerly Invitae), Labcorp
Classification: Uncertain significance for Neurodevelopmental disorder with progressive spasticity and brain white matter abnormalities. Last evaluated: 2018-09-18. Review status: criteria provided, single submitter. Criteria: Invitae Variant Classification Sherloc (09022015). Collection method: clinical testing. Allele origin: germline.
Comment: This sequence change replaces arginine with glutamine at codon 89 of the GAD1 protein (p.Arg89Gln). The arginine residue is highly conserved and there is a small physicochemical difference between arginine and glutamine. This variant is present in population databases (rs201233553, ExAC 0.006%). This variant has not been reported in the literature in individuals with GAD1-related disease. Algorithms developed to predict the effect of missense changes on protein structure and function output the following: SIFT: "Tolerated"; PolyPhen-2: "Benign"; Align-GVGD: "Class C0". The glutamine amino acid residue is found in multiple mammalian species, suggesting that this missense change does not adversely affect protein function. These predictions have not been confirmed by published functional studies and their clinical significance is uncertain. Algorithms developed to predict the effect of sequence changes on RNA splicing suggest that this variant may create or strengthen a splice site, but this prediction has not been confirmed by published transcriptional studies. In summary, the available evidence is currently insufficient to determine the role of this variant in disease. Therefore, it has been classified as a Variant of Uncertain Significance.

NM_000817.3(GAD1):c.266G>A (p.Arg89Gln)

Gene: GAD1 (glutamate decarboxylase 1; plus strand). Cytogenetic location: 2q31.1.
Variant type: single nucleotide variant.
Coding change: c.266G>A on transcript NM_000817.3 (MANE Select); coding-DNA position 266, G replaced by A.
Protein change: p.Arg89Gln; replaces arginine 89 with glutamine.
Molecular consequence: missense variant.
Genome position (GRCh38, 1-based): chr2:170,829,595, G>A. VCF-style: chr2-170829595-G-A. GRCh37 (hg19) VCF-style: chr2-171686105-G-A.
Other names: c.266G>A, p.Arg89Gln (NM_013445.4); short protein forms R89Q.
Identifiers: ClinVar variation 648089 (VCV000648089.12), dbSNP rs201233553, ClinGen allele CA1962571.